The following is an entry in ClinVar:

NM_020937.4(FANCM):c.2236A>G (p.Thr746Ala)

Gene: FANCM (FA complementation group M; plus strand). Cytogenetic location: 14q21.2.
Variant type: single nucleotide variant.
Coding change: c.2236A>G on transcript NM_020937.4 (MANE Select); coding-DNA position 2236, A replaced by G.
Protein change: p.Thr746Ala; replaces threonine 746 with alanine.
Molecular consequence: missense variant.
Genome position (GRCh38, 1-based): chr14:45,173,130, A>G. VCF-style: chr14-45173130-A-G. GRCh37 (hg19) VCF-style: chr14-45642333-A-G.
Other names: c.2158A>G, p.Thr720Ala (NM_001308133.2); short protein forms T720A, T746A.
Identifiers: ClinVar variation 1050898 (VCV001050898.14), dbSNP rs764033302, ClinGen allele CA7169292.

ClinVar aggregate classification (germline): Uncertain significance. Review status: criteria provided, multiple submitters, no conflicts (2 of 4 stars). 3 submissions from 3 submitters: Uncertain significance (3). Last evaluated 2025-09-02.

Conditions:
Fanconi anemia (FA). Also called: Fanconi's anemia. Identifiers: Orphanet 84, MedGen C0015625, MeSH D005199, MONDO:0019391.
Spermatogenic failure 28. Identifiers: MedGen C4748117, MONDO:0054732, OMIM 618086.
Premature ovarian failure 15. Identifiers: MedGen C4748170, MONDO:0054862, OMIM 618096.

Allele frequency attached by ClinVar (database versions not stated): ExAC 0.00001; gnomAD 0.00001; gnomAD exomes 0.00002; TOPMed 0.00002.

Submissions (3):

Labcorp Genetics (formerly Invitae), Labcorp
Classification: Uncertain significance for Fanconi anemia. Last evaluated: 2025-09-02. Review status: criteria provided, single submitter. Criteria: Invitae Variant Classification Sherloc (09022015). Collection method: clinical testing. Allele origin: germline.
Comment: This sequence change replaces threonine, which is neutral and polar, with alanine, which is neutral and non-polar, at codon 746 of the FANCM protein (p.Thr746Ala). This variant is present in population databases (rs764033302, gnomAD 0.006%). This variant has not been reported in the literature in individuals affected with FANCM-related conditions. ClinVar contains an entry for this variant (Variation ID: 1050898). An algorithm developed to predict the effect of missense changes on protein structure and function (PolyPhen-2) suggests that this variant is likely to be disruptive. In summary, the available evidence is currently insufficient to determine the role of this variant in disease. Therefore, it has been classified as a Variant of Uncertain Significance.

GeneDx
Classification: Uncertain significance. Last evaluated: 2024-09-23. Review status: criteria provided, single submitter. Criteria: GeneDx Variant Classification Process June 2021. Collection method: clinical testing. Allele origin: germline. Affected: yes.
Comment: Not observed at significant frequency in large population cohorts (gnomAD); In silico analysis supports that this missense variant has a deleterious effect on protein structure/function; Observed in an individual with colorectal cancer (PMID: 27713038); This variant is associated with the following publications: (PMID: 28881617, 27713038)

Fulgent Genetics
Classification: Uncertain significance for Spermatogenic failure 28; Premature ovarian failure 15. Last evaluated: 2021-10-20. Review status: criteria provided, single submitter. Criteria: ACMG Guidelines, 2015. Collection method: clinical testing. Allele origin: unknown.